The following is an entry in ClinVar:

NM_000321.3(RB1):c.-2_8del (p.Met1fs)

Gene: RB1 (RB transcriptional corepressor 1; plus strand). Cytogenetic location: 13q14.2.
Variant type: Deletion.
Coding change: c.-2_8del on transcript NM_000321.3 (MANE Select); 2 bases upstream of the start codon through coding-DNA position 8, 10 bases deleted (TCATGCCGCC; older notation c.-2_8delTCATGCCGCC).
Protein change: p.Met1fs; shifts the reading frame from methionine 1.
Molecular consequence: frameshift variant, initiator codon variant.
Genome position (GRCh38, 1-based): chr13:48,303,911-48,303,920, TCATGCCGCC deleted. VCF-style (leftmost placement, unchanged base first): chr13-48303910-GTCATGCCGCC-G. GRCh37 (hg19) VCF-style: chr13-48878046-GTCATGCCGCC-G.
Other names: c.-2_8del, p.Met1fs (NM_001407165.1, NM_001407166.1, NM_001407167.1); short protein forms M1fs.
Identifiers: ClinVar variation 2692724 (VCV002692724.3), dbSNP rs2542093051, ClinGen allele CA2697551895.

ClinVar aggregate classification (germline): Uncertain significance (1 of 4 stars; one submission).

Conditions:
Retinoblastoma (RB1). Also called: RETINOBLASTOMA, SOMATIC. Identifiers: Orphanet 790, MedGen C0035335, MeSH D012175, MONDO:0008380, OMIM 180200, HP:0009919. Disease mechanism: loss of function. Inheritance: Both sporadic and heritable forms are tested..

Submission:

Labcorp Genetics (formerly Invitae), Labcorp
Classification: Uncertain significance for Retinoblastoma. Last evaluated: 2023-11-02. Review status: criteria provided, single submitter. Criteria: Invitae Variant Classification Sherloc (09022015). Collection method: clinical testing. Allele origin: germline.
Comment: This sequence change affects the initiator methionine of the RB1 mRNA. The next in-frame methionine is located at codon 113. This variant is not present in population databases (gnomAD no frequency). This variant has not been reported in the literature in individuals affected with RB1-related conditions. Experimental studies and prediction algorithms are not available or were not evaluated, and the functional significance of this variant is currently unknown. In summary, the available evidence is currently insufficient to determine the role of this variant in disease. Therefore, it has been classified as a Variant of Uncertain Significance.